The following is an entry in ClinVar:

ClinVar aggregate classification (germline): Uncertain significance. Review status: criteria provided, multiple submitters, no conflicts (2 of 4 stars). 2 submissions from 2 submitters: Uncertain significance (2). Last evaluated 2026-02-10.

Conditions:
DOCK2 deficiency. Also called: Immunodeficiency 40. Identifiers: Orphanet 447737, MedGen C4225328, MONDO:0014637, OMIM 616433.

Allele frequency attached by ClinVar (database versions not stated): ExAC 0.00011; ESP Exome Variant Server 0.00031; gnomAD 0.00032 and 0.00034; TOPMed 0.00037; gnomAD exomes 0.00003 and 0.00009.
gnomAD v4.1: 97 of 1,613,862 alleles (0.006%); highest among the groups gnomAD compares: African/African-American, 0.12%; no homozygotes.

Submissions (2):

Women's Health and Genetics/Laboratory Corporation of America, LabCorp
Classification: Uncertain significance. Last evaluated: 2026-02-10. Review status: criteria provided, single submitter. Criteria: LabCorp Variant Classification Summary - May 2015. Collection method: clinical testing. Allele origin: germline.
Comment: Variant summary: DOCK2 c.1334A>G (p.Asn445Ser) results in a conservative amino acid change in the encoded protein sequence. Algorithms developed to predict the effect of missense changes on protein structure and function are either unavailable or do not agree on the potential impact of this missense change. The variant allele was found at a frequency of 9.2e-05 in 251030 control chromosomes. This frequency is not significantly higher than estimated for disease-causing variants in DOCK2, allowing no conclusion about variant significance. c.1334A>G has been observed in individual(s) affected with DOCK2 deficiency (Reiff_2023). These report(s) do not provide unequivocal conclusions about association of the variant with DOCK2 deficiency. At least one publication reports experimental evidence evaluating an impact on protein function (Reiff_2023). The most pronounced variant effect results in decreased NK cell function, degranulation and cytotoxicity. ClinVar contains an entry for this variant (Variation ID: 664861). Based on the evidence outlined above, the variant was classified as uncertain significance.

Labcorp Genetics (formerly Invitae), Labcorp
Classification: Uncertain significance for DOCK2 deficiency. Last evaluated: 2022-09-07. Review status: criteria provided, single submitter. Criteria: Invitae Variant Classification Sherloc (09022015). Collection method: clinical testing. Allele origin: germline.
Comment: This sequence change replaces asparagine, which is neutral and polar, with serine, which is neutral and polar, at codon 445 of the DOCK2 protein (p.Asn445Ser). This variant is present in population databases (rs371303142, gnomAD 0.1%). This variant has not been reported in the literature in individuals affected with DOCK2-related conditions. ClinVar contains an entry for this variant (Variation ID: 664861). Algorithms developed to predict the effect of missense changes on protein structure and function are either unavailable or do not agree on the potential impact of this missense change (SIFT: "Tolerated"; PolyPhen-2: "Possibly Damaging"; Align-GVGD: "Class C0"). In summary, the available evidence is currently insufficient to determine the role of this variant in disease. Therefore, it has been classified as a Variant of Uncertain Significance.

Literature cited by the submitters: PubMed 36836791 (cited by Women's Health and Genetics/Laboratory Corporation of America, LabCorp).

NM_004946.3(DOCK2):c.1334A>G (p.Asn445Ser)

Gene: DOCK2 (dedicator of cytokinesis 2; plus strand). Cytogenetic location: 5q35.1.
Variant type: single nucleotide variant.
Coding change: c.1334A>G on transcript NM_004946.3 (MANE Select); coding-DNA position 1334, A replaced by G.
Protein change: p.Asn445Ser; replaces asparagine 445 with serine.
Molecular consequence: missense variant. On other transcripts: non-coding transcript variant (1).
Genome position (GRCh38, 1-based): chr5:169,702,378, A>G. VCF-style: chr5-169702378-A-G. GRCh37 (hg19) VCF-style: chr5-169129382-A-G.
Other names: c.1334A>G, p.Asn445Ser (LRG_1227t1); short protein forms N445S.
Identifiers: ClinVar variation 664861 (VCV000664861.7), dbSNP rs371303142, ClinGen allele CA3553422.